The following is an entry in ClinVar:

ClinVar aggregate classification (germline): Uncertain significance. Review status: criteria provided, multiple submitters, no conflicts (2 of 4 stars). 2 submissions from 2 submitters: Uncertain significance (2). Last evaluated 2024-10-26.

Conditions:
Werner syndrome (WRN). Identifiers: Orphanet 902, MedGen C0043119, MONDO:0010196, OMIM 277700.

Allele frequency attached by ClinVar (database versions not stated): gnomAD 0.00001; gnomAD exomes 0.00001 and 0.00002; ExAC 0.00002; TOPMed 0.00002.

Submissions (2):

Labcorp Genetics (formerly Invitae), Labcorp
Classification: Uncertain significance for Werner syndrome. Last evaluated: 2024-10-26. Review status: criteria provided, single submitter. Criteria: Invitae Variant Classification Sherloc (09022015). Collection method: clinical testing. Allele origin: germline.
Comment: This sequence change falls in intron 7 of the WRN gene. It does not directly change the encoded amino acid sequence of the WRN protein. It affects a nucleotide within the consensus splice site. This variant is present in population databases (rs778493200, gnomAD 0.01%). This variant has not been reported in the literature in individuals affected with WRN-related conditions. ClinVar contains an entry for this variant (Variation ID: 362796). Variants that disrupt the consensus splice site are a relatively common cause of aberrant splicing (PMID: 17576681, 9536098). Studies have shown that this variant is associated with inconclusive levels of altered splicing (internal data). In summary, the available evidence is currently insufficient to determine the role of this variant in disease. Therefore, it has been classified as a Variant of Uncertain Significance.

Fulgent Genetics
Classification: Uncertain significance for Werner syndrome. Last evaluated: 2021-11-12. Review status: criteria provided, single submitter. Criteria: ACMG Guidelines, 2015. Collection method: clinical testing. Allele origin: unknown.

Literature cited by the submitters: PubMed 17576681 (cited by Labcorp Genetics (formerly Invitae), Labcorp); PubMed 9536098 (cited by Labcorp Genetics (formerly Invitae), Labcorp).

NM_000553.6(WRN):c.725-3del

Gene: WRN (WRN RecQ like helicase; plus strand). Cytogenetic location: 8p12.
Variant type: Deletion.
Coding change: c.725-3del on transcript NM_000553.6 (MANE Select); 3 bases into the intron before coding-DNA position 725, one base deleted (T; older notation c.725-3delT).
Molecular consequence: intron variant.
Genome position (GRCh38, 1-based): chr8:31,076,170, T deleted. VCF-style (leftmost placement, unchanged base first): chr8-31076169-CT-C. GRCh37 (hg19) VCF-style: chr8-30933685-CT-C.
Other names: c.725-3del (NM_000553.4).
Identifiers: ClinVar variation 362796 (VCV000362796.14), dbSNP rs778493200, ClinGen allele CA4704155.